The following is an entry in ClinVar:

NM_000548.5(TSC2):c.3125C>G (p.Pro1042Arg)

Gene: TSC2 (TSC complex subunit 2; plus strand). Cytogenetic location: 16p13.3.
Variant type: single nucleotide variant.
Coding change: c.3125C>G on transcript NM_000548.5 (MANE Select); coding-DNA position 3125, C replaced by G.
Protein change: p.Pro1042Arg; replaces proline 1042 with arginine.
Molecular consequence: missense variant.
Genome position (GRCh38, 1-based): chr16:2,079,190, C>G. VCF-style: chr16-2079190-C-G. GRCh37 (hg19) VCF-style: chr16-2129191-C-G.
Other names: c.2996C>G, p.Pro999Arg (NM_021055.3, NM_001363528.2, NM_001370405.1); c.2993C>G, p.Pro998Arg (NM_001077183.3, NM_001370404.1); c.3125C>G, p.Pro1042Arg (NM_001114382.3); c.2885C>G, p.Pro962Arg (NM_001318827.2); c.2849C>G, p.Pro950Arg (NM_001318829.2); c.2393C>G, p.Pro798Arg (NM_001318831.2); c.3026C>G, p.Pro1009Arg (NM_001318832.2); short protein forms P1042R, P999R, P962R, P998R, P1009R, P798R, P950R.
Identifiers: ClinVar variation 577842 (VCV000577842.8), dbSNP rs745731000, ClinGen allele CA394284968.

ClinVar aggregate classification (germline): Uncertain significance (1 of 4 stars; one submission).

Conditions:
Tuberous sclerosis 2 (TSC2). Identifiers: Orphanet 805, MedGen C1860707, MONDO:0013199, OMIM 613254.

Submission:

Labcorp Genetics (formerly Invitae), Labcorp
Classification: Uncertain significance for Tuberous sclerosis 2. Last evaluated: 2018-02-07. Review status: criteria provided, single submitter. Criteria: Invitae Variant Classification Sherloc (09022015). Collection method: clinical testing. Allele origin: germline.
Comment: In summary, the available evidence is currently insufficient to determine the role of this variant in disease. Therefore, it has been classified as a Variant of Uncertain Significance. Algorithms developed to predict the effect of missense changes on protein structure and function do not agree on the potential impact of this missense change (SIFT: "Deleterious"; PolyPhen-2: "Probably Damaging"; Align-GVGD: "Class C0"). This variant has not been reported in the literature in individuals with TSC2-related disease. This variant is not present in population databases (ExAC no frequency). This sequence change replaces proline with arginine at codon 1042 of the TSC2 protein (p.Pro1042Arg). The proline residue is highly conserved and there is a moderate physicochemical difference between proline and arginine.